The following is an entry in ClinVar:

NM_005739.4(RASGRP1):c.1760T>C (p.Val587Ala)

Gene: RASGRP1 (RAS guanyl releasing protein 1; minus strand). Cytogenetic location: 15q14.
Variant type: single nucleotide variant.
Coding change: c.1760T>C on transcript NM_005739.4 (MANE Select); coding-DNA position 1760, T replaced by C.
Protein change: p.Val587Ala; replaces valine 587 with alanine.
Molecular consequence: missense variant.
Genome position (GRCh38, 1-based): chr15:38,498,907, A>G on the plus strand (T>C on the coding strand, the complement: RASGRP1 is on the minus strand). VCF-style: chr15-38498907-A-G. GRCh37 (hg19) VCF-style: chr15-38791108-A-G.
Other names: c.1655T>C, p.Val552Ala (NM_001128602.2, NM_001306086.2); short protein forms V587A, V552A.
Identifiers: ClinVar variation 4777753 (VCV004777753.1).
Genomic context (GRCh38, chr15:38,498,907, plus strand): 5'-GAAGTGTTGTTCTCTGTGGGAGCTACTGGGTTCTTGGCTCGCTTCTTACACTCAAACACA[A>G]CCAGATCTTTGCATTGTTTGTGACAGTTCATCCCGCAGTCTGTGGACAAGACATCCTGGG-3'
Protein context (NP_005730.2, residues 577-597): MNCHKQCKDL[Val587Ala]VFECKKRAKN

ClinVar aggregate classification (germline): Uncertain significance (1 of 4 stars; one submission).

gnomAD v4.1: 15 of 1,613,762 alleles (0.00093%); highest among the groups gnomAD compares: East Asian, 0.033%; no homozygotes.

Submission:

Labcorp Genetics (formerly Invitae), Labcorp
Classification: Uncertain significance. Last evaluated: 2025-03-31. Review status: criteria provided, single submitter. Criteria: Invitae Variant Classification Sherloc (09022015). Collection method: clinical testing. Allele origin: germline.
Comment: This sequence change replaces valine, which is neutral and non-polar, with alanine, which is neutral and non-polar, at codon 587 of the RASGRP1 protein (p.Val587Ala). This variant is present in population databases (rs768478247, gnomAD 0.006%). This variant has not been reported in the literature in individuals affected with RASGRP1-related conditions. Invitae Evidence Modeling of protein sequence and biophysical properties (such as structural, functional, and spatial information, amino acid conservation, physicochemical variation, residue mobility, and thermodynamic stability) has been performed for this missense variant. However, the output from this modeling did not meet the statistical confidence thresholds required to predict the impact of this variant on RASGRP1 protein function. In summary, the available evidence is currently insufficient to determine the role of this variant in disease. Therefore, it has been classified as a Variant of Uncertain Significance.